The following is an entry in ClinVar:

ClinVar aggregate classification (germline): Uncertain significance. Review status: criteria provided, multiple submitters, no conflicts (2 of 4 stars). 2 submissions from 2 submitters: Uncertain significance (2). Last evaluated 2024-04-16.

Conditions:
Inborn genetic diseases. Identifiers: MedGen C0950123, MeSH D030342.
Congenital myasthenic syndrome 13 (CMS13). Also called: Myasthenic syndrome, congenital, with tubular aggregates 2; Myasthenic syndrome, congenital, 13, with tubular aggregates. Identifiers: Orphanet 353327, Orphanet 590, MedGen C3553645, MONDO:0013883, OMIM 614750.
DPAGT1-congenital disorder of glycosylation. Also called: DPAGT1-CDG; CDG Ij; CONGENITAL DISORDER OF GLYCOSYLATION, TYPE Ij. Identifiers: Orphanet 86309, MedGen C2931004, MONDO:0011964, OMIM 608093.

Allele frequency attached by ClinVar (database versions not stated): ExAC 0.00001; gnomAD exomes 0.00001.
gnomAD v4.1: 22 of 1,614,028 alleles (0.0014%); highest among the groups gnomAD compares: Non-Finnish European, 0.0018%; no homozygotes.

Submissions (2):

Ambry Genetics
Classification: Uncertain significance for Inborn genetic diseases. Last evaluated: 2024-04-16. Review status: criteria provided, single submitter. Criteria: Ambry Variant Classification Scheme 2023. Collection method: clinical testing. Allele origin: germline.

Labcorp Genetics (formerly Invitae), Labcorp
Classification: Uncertain significance for Congenital myasthenic syndrome 13; DPAGT1-congenital disorder of glycosylation. Last evaluated: 2022-05-20. Review status: criteria provided, single submitter. Criteria: Invitae Variant Classification Sherloc (09022015). Collection method: clinical testing. Allele origin: germline.
Comment: This sequence change replaces tyrosine, which is neutral and polar, with cysteine, which is neutral and slightly polar, at codon 244 of the DPAGT1 protein (p.Tyr244Cys). This variant is present in population databases (rs770502903, gnomAD 0.007%). This variant has not been reported in the literature in individuals affected with DPAGT1-related conditions. Algorithms developed to predict the effect of missense changes on protein structure and function (SIFT, PolyPhen-2, Align-GVGD) all suggest that this variant is likely to be disruptive. In summary, the available evidence is currently insufficient to determine the role of this variant in disease. Therefore, it has been classified as a Variant of Uncertain Significance.

NM_001382.4(DPAGT1):c.731A>G (p.Tyr244Cys)

Gene: DPAGT1 (dolichyl-phosphate N-acetylglucosaminephosphotransferase 1; minus strand). Cytogenetic location: 11q23.3.
Variant type: single nucleotide variant.
Coding change: c.731A>G on transcript NM_001382.4 (MANE Select); coding-DNA position 731, A replaced by G.
Protein change: p.Tyr244Cys; replaces tyrosine 244 with cysteine.
Molecular consequence: missense variant.
Genome position (GRCh38, 1-based): chr11:119,098,041, T>C on the plus strand (A>G on the coding strand, the complement: DPAGT1 is on the minus strand). VCF-style: chr11-119098041-T-C. GRCh37 (hg19) VCF-style: chr11-118968751-T-C.
Other names: c.731A>G (NM_001382.3); short protein forms Y244C.
Identifiers: ClinVar variation 2143405 (VCV002143405.2), dbSNP rs770502903, ClinGen allele CA6314537.